The following is an entry in ClinVar:

NM_052876.4(NACC1):c.946+10C>G

Gene: NACC1 (nucleus accumbens associated 1; plus strand). Cytogenetic location: 19p13.13.
Variant type: single nucleotide variant.
Coding change: c.946+10C>G on transcript NM_052876.4 (MANE Select); 10 bases into the intron after coding-DNA position 946, C replaced by G.
Molecular consequence: intron variant.
Genome position (GRCh38, 1-based): chr19:13,136,163, C>G. VCF-style: chr19-13136163-C-G. GRCh37 (hg19) VCF-style: chr19-13246977-C-G.
Identifiers: ClinVar variation 2802611 (VCV002802611.3), dbSNP rs187770184, ClinGen allele CA2323741766.
Genomic context (GRCh38, chr19:13,136,163, plus strand): 5'-AGATCTGCAACATGTACACCATGTACAGCATGATGAACGTCGGCCAGACAGGTGAGGTGC[C>G]GTCCTGTCCCCCATCCCACCAGCCACCCCTGCTCCTCCTGCCACTCGCGTGCCACTCTCT-3'

ClinVar aggregate classification (germline): Uncertain significance (1 of 4 stars; one submission).

Submission:

Labcorp Genetics (formerly Invitae), Labcorp
Classification: Uncertain significance. Last evaluated: 2023-02-13. Review status: criteria provided, single submitter. Criteria: Invitae Variant Classification Sherloc (09022015). Collection method: clinical testing. Allele origin: germline.
Comment: This sequence change falls in intron 2 of the NACC1 gene. It does not directly change the encoded amino acid sequence of the NACC1 protein. This variant is not present in population databases (gnomAD no frequency). This variant has not been reported in the literature in individuals affected with NACC1-related conditions. Algorithms developed to predict the effect of sequence changes on RNA splicing suggest that this variant may create or strengthen a splice site. In summary, the available evidence is currently insufficient to determine the role of this variant in disease. Therefore, it has been classified as a Variant of Uncertain Significance.